The following is an entry in ClinVar:

NM_001276270.2(MBD4):c.1648-5_1648-4delinsAA

Gene: MBD4 (methyl-CpG binding domain 4, DNA glycosylase; minus strand). Cytogenetic location: 3q21.3.
Variant type: Indel.
Coding change: c.1648-5_1648-4delinsAA on transcript NM_001276270.2 (MANE Select); 5 bases into the intron before coding-DNA position 1648 through 4 bases into the intron before coding-DNA position 1648, TC replaced by AA.
Molecular consequence: intron variant.
Genome position (GRCh38, 1-based): chr3:129,431,582-129,431,583, GA replaced by TT on the plus strand (TC replaced by AA on the coding strand, the reverse complement: MBD4 is on the minus strand). VCF-style: chr3-129431582-GA-TT. GRCh37 (hg19) VCF-style: chr3-129150425-GA-TT.
Other names: c.1648-5_1648-4delTCinsAA (NM_001276270.2); c.712-5_712-4delinsAA (NM_001276273.2); c.1613-5_1613-4delinsAA (NM_001276272.2); c.1666-5_1666-4delinsAA (NM_003925.3).
Identifiers: ClinVar variation 4859595 (VCV004859595.1).

ClinVar aggregate classification (germline): Uncertain significance (1 of 4 stars; one submission).

Conditions:
Inborn genetic diseases. Identifiers: MedGen C0950123, MeSH D030342.

Submission:

Ambry Genetics
Classification: Uncertain significance for Inborn genetic diseases. Last evaluated: 2026-05-05. Review status: criteria provided, single submitter. Criteria: Ambry Variant Classification Scheme 2023. Collection method: clinical testing. Allele origin: germline.
Comment: The c.1648-5_1648-4delTCinsAA intronic variant, located in intron 7 of the MBD4 gene, results from an in-frame from the deletion of two nucleotides and the insertion of two nucleotides at nucleotide position 1648. This nucleotide position is not well conserved in available vertebrate species. In silico splice site analysis for this alteration is inconclusive. Based on the available evidence, the clinical significance of this variant remains unclear.